The following is an entry in ClinVar:

NM_033305.3(VPS13A):c.2191C>T (p.Arg731Ter)

Gene: VPS13A (vacuolar protein sorting 13 homolog A; plus strand). Cytogenetic location: 9q21.2.
Variant type: single nucleotide variant.
Coding change: c.2191C>T on transcript NM_033305.3 (MANE Select); coding-DNA position 2191, C replaced by T.
Protein change: p.Arg731Ter; replaces arginine 731 with a stop codon.
Molecular consequence: nonsense.
Genome position (GRCh38, 1-based): chr9:77,252,255, C>T. VCF-style: chr9-77252255-C-T. GRCh37 (hg19) VCF-style: chr9-79867171-C-T.
Other names: c.2191C>T, p.Arg731Ter (NM_001018037.2, NM_001018038.3, NM_015186.4); short protein forms R731*.
Identifiers: ClinVar variation 939569 (VCV000939569.14), dbSNP rs771943305, ClinGen allele CA5091887.

ClinVar aggregate classification (germline): Pathogenic. Review status: criteria provided, multiple submitters, no conflicts (2 of 4 stars). 5 submissions from 5 submitters: Pathogenic (5). Last evaluated 2025-06-23.

Conditions:
VPS13A-related neurodegenerative disease. Also called: Choreoacanthocytosis; Choreaacanthocytosis; Chorea-acanthocytosis; ACANTHOCYTOSIS WITH NEUROLOGIC DISORDER; LEVINE-CRITCHLEY SYNDROME; VPS13A Disease. Identifiers: Orphanet 2388, MedGen C0393576, MONDO:0008695, OMIM 200150.

Allele frequency attached by ClinVar (database versions not stated): TOPMed 0.00001; gnomAD 0.00002; gnomAD exomes 0.00001.
gnomAD v4.1: 17 of 1,613,612 alleles (0.0011%); highest among the groups gnomAD compares: African/African-American, 0.004%; no homozygotes.

Submissions (5):

Natera, Inc.
Classification: Pathogenic for Choreaacanthocytosis. Last evaluated: 2025-06-23. Review status: criteria provided, single submitter. Criteria: Natera Variant Classification Schema (03/2026). Collection method: clinical testing. Allele origin: germline.
Comment: The c.2191C>T variant in VPS13A is a nonsense variant predicted to introduce a stop codon at amino acid 731. This variant is expected to result in nonsense mediated decay, truncation, or a dysfunctional protein product. This variant is rare in the general population with a frequency below the threshold expected for the associated phenotype(s). This variant has been observed in one or more individuals affected with the associated recessive disease, as either homozygous or compound heterozygous with a second variant (PMID: 21598378, 24974674). Given the available evidence, this variant is classified as Pathogenic.

Victorian Clinical Genetics Services, Murdoch Childrens Research Institute
Classification: Pathogenic for VPS13A-related neurodegenerative disease. Last evaluated: 2024-10-11. Review status: criteria provided, single submitter. Criteria: ACMG Guidelines, 2015. Collection method: clinical testing. Allele origin: germline.
Comment: This variant is classified as Pathogenic. Evidence in support of pathogenic classification: Variant is predicted to cause nonsense-mediated decay (NMD) and loss of protein (premature termination codon is located at least 54 nucleotides upstream of the final exon-exon junction); Variant is present in gnomAD <0.01 for a recessive condition (v4: 17 heterozygote(s), 0 homozygote(s)); This variant has moderate previous evidence of pathogenicity in unrelated individuals. This variant has been reported as likely pathogenic/pathogenic by clinical laboratories in ClinVar and has been reported in a family with choreaacanthocytosis (PMID: 24974674); Other NMD-predicted variant(s) comparable to the one identified in this case have very strong previous evidence for pathogenicity (DECIPHER). Additional information: This gene is associated with autosomal recessive disease; No published functional evidence has been identified for this variant; Loss of function is a known mechanism of disease in this gene and is associated with choreoacanthocytosis (MIM#200150); Variants in this gene are known to have variable expressivity (PMID: 20301561).

Myriad Genetics, Inc.
Classification: Pathogenic for VPS13A-related neurodegenerative disease. Last evaluated: 2024-05-14. Review status: criteria provided, single submitter. Criteria: Myriad Autosomal Dominant, Autosomal Recessive and X-Linked Classification Criteria (2023). Collection method: clinical testing. Allele origin: unknown.
Comment: NM_033305.2(VPS13A):c.2191C>T(R731*) is expected to be pathogenic in the context of VPS13A disease. This variant is predicted to lead to an abnormal or absent protein product due to the creation of a premature termination codon in VPS13A, a gene where loss-of-function variants are known to be pathogenic. Please note: this variant was assessed in the context of healthy population screening.

GeneDx
Classification: Pathogenic. Last evaluated: 2024-01-07. Review status: criteria provided, single submitter. Criteria: GeneDx Variant Classification Process June 2021. Collection method: clinical testing. Allele origin: germline. Affected: yes.
Comment: Reported with a second VPS13A variant, phase unknown, in a patient with chorea-acanthocytosis (PMID: 21598378); Nonsense variant predicted to result in protein truncation or nonsense mediated decay in a gene for which loss of function is a known mechanism of disease; Not observed at significant frequency in large population cohorts (gnomAD); This variant is associated with the following publications: (PMID: 25525159, 21598378, 24974674)

Labcorp Genetics (formerly Invitae), Labcorp
Classification: Pathogenic. Last evaluated: 2023-04-28. Review status: criteria provided, single submitter. Criteria: Invitae Variant Classification Sherloc (09022015). Collection method: clinical testing. Allele origin: germline.
Comment: This sequence change creates a premature translational stop signal (p.Arg731*) in the VPS13A gene. It is expected to result in an absent or disrupted protein product. Loss-of-function variants in VPS13A are known to be pathogenic (PMID: 12404112, 21598378). This variant is present in population databases (rs771943305, gnomAD 0.008%). This premature translational stop signal has been observed in individual(s) with choreoacanthocytosis (PMID: 21598378, 24974674). ClinVar contains an entry for this variant (Variation ID: 939569). For these reasons, this variant has been classified as Pathogenic.

Literature cited by the submitters: PubMed 21598378 (cited by Natera, Inc. and Labcorp Genetics (formerly Invitae), Labcorp); PubMed 24974674 (cited by 3 submitters); PubMed 20301561 (cited by Victorian Clinical Genetics Services, Murdoch Childrens Research Institute); PubMed 12404112 (cited by Labcorp Genetics (formerly Invitae), Labcorp).